The following is an entry in ClinVar:

ClinVar aggregate classification (germline): Likely benign. Review status: criteria provided, multiple submitters, no conflicts (2 of 4 stars). 2 submissions from 2 submitters: Likely benign (2). Last evaluated 2025-04-11.

Conditions:
CREBBP-related disorder. Also called: CREBBP-related condition; CREBBP-related disorders.
Rubinstein-Taybi syndrome (RSTS). Identifiers: Orphanet 783, MedGen C0035934, MONDO:0019188.

gnomAD v4.1: 44 of 1,614,048 alleles (0.0027%); highest among the groups gnomAD compares: Non-Finnish European, 0.0036%; no homozygotes.

Submissions (2):

PreventionGenetics, part of Exact Sciences
Classification: Likely benign for CREBBP-related condition. Last evaluated: 2025-04-11. Review status: criteria provided, single submitter. Criteria: ACMG Guidelines, 2015. Collection method: clinical testing. Allele origin: germline.
Comment: This variant is classified as likely benign based on ACMG/AMP sequence variant interpretation guidelines (Richards et al. 2015 PMID: 25741868, with internal and published modifications).

Labcorp Genetics (formerly Invitae), Labcorp
Classification: Likely benign for Rubinstein-Taybi syndrome. Last evaluated: 2025-01-19. Review status: criteria provided, single submitter. Criteria: Invitae Variant Classification Sherloc (09022015). Collection method: clinical testing. Allele origin: germline.

NM_004380.3(CREBBP):c.2160G>A (p.Gly720=)

Gene: CREBBP (CREB binding lysine acetyltransferase; minus strand). Cytogenetic location: 16p13.3.
Variant type: single nucleotide variant.
Coding change: c.2160G>A on transcript NM_004380.3 (MANE Select); coding-DNA position 2160, G replaced by A.
Protein change: p.Gly720=; no amino-acid change (glycine 720 retained).
Molecular consequence: synonymous variant.
Genome position (GRCh38, 1-based): chr16:3,774,692, C>T on the plus strand (G>A on the coding strand, the complement: CREBBP is on the minus strand). VCF-style: chr16-3774692-C-T. GRCh37 (hg19) VCF-style: chr16-3824693-C-T.
Other names: c.2046G>A, p.Gly682= (NM_001079846.1); c.2160G>A (NM_004380.2).
Identifiers: ClinVar variation 3664939 (VCV003664939.3).